The following is an entry in ClinVar:

NM_004863.4(SPTLC2):c.1075G>A (p.Val359Met)

Gene: SPTLC2 (serine palmitoyltransferase long chain base subunit 2; minus strand). Cytogenetic location: 14q24.3.
Variant type: single nucleotide variant.
Coding change: c.1075G>A on transcript NM_004863.4 (MANE Select); coding-DNA position 1075, G replaced by A.
Protein change: p.Val359Met; replaces valine 359 with methionine.
Molecular consequence: missense variant.
Genome position (GRCh38, 1-based): chr14:77,555,401, C>T on the plus strand (G>A on the coding strand, the complement: SPTLC2 is on the minus strand). VCF-style: chr14-77555401-C-T. GRCh37 (hg19) VCF-style: chr14-78021744-C-T.
Other names: short protein forms V359M.
Identifiers: ClinVar variation 4798 (VCV000004798.11), dbSNP rs267607090, ClinGen allele CA117090.

ClinVar aggregate classification (germline): Conflicting classifications of pathogenicity. Review status: criteria provided, conflicting classifications (1 of 4 stars). 4 submissions from 4 submitters: Likely pathogenic (1); Uncertain significance (2). 1 of the submissions does not count toward it. Last evaluated 2024-10-16.

Conditions:
Neuropathy, hereditary sensory and autonomic, type 1C. Also called: HSAN IC; HSN IC. Identifiers: Orphanet 36386, MedGen C3150896, MONDO:0013337, OMIM 613640.

Allele frequency attached by ClinVar (database versions not stated): gnomAD 0.00001; gnomAD exomes 0.00001; TOPMed 0.00001.
gnomAD v4.1: 6 of 1,614,218 alleles (0.00037%); highest among the groups gnomAD compares: Non-Finnish European, 0.00051%; no homozygotes.

Submissions (4):

Blueprint Genetics
Classification: Uncertain significance. Last evaluated: 2024-10-16. Review status: criteria provided, single submitter. Criteria: ACMG Guidelines, 2015. Collection method: clinical testing. Allele origin: germline.

Labcorp Genetics (formerly Invitae), Labcorp
Classification: Uncertain significance for Neuropathy, hereditary sensory and autonomic, type 1C. Last evaluated: 2024-01-16. Review status: criteria provided, single submitter. Criteria: Invitae Variant Classification Sherloc (09022015). Collection method: clinical testing. Allele origin: germline.
Comment: This sequence change replaces valine, which is neutral and non-polar, with methionine, which is neutral and non-polar, at codon 359 of the SPTLC2 protein (p.Val359Met). This variant is not present in population databases (gnomAD no frequency). This missense change has been observed in individual(s) with hereditary sensory and autonomic neuropathy (PMID: 20920666). ClinVar contains an entry for this variant (Variation ID: 4798). Advanced modeling of protein sequence and biophysical properties (such as structural, functional, and spatial information, amino acid conservation, physicochemical variation, residue mobility, and thermodynamic stability) performed at Invitae indicates that this missense variant is not expected to disrupt SPTLC2 protein function with a negative predictive value of 80%. Experimental studies are conflicting or provide insufficient evidence to determine the effect of this variant on SPTLC2 function (PMID: 20920666, 24175284, 26681808). In summary, the available evidence is currently insufficient to determine the role of this variant in disease. Therefore, it has been classified as a Variant of Uncertain Significance.

MGZ Medical Genetics Center
Classification: Likely pathogenic for Neuropathy, hereditary sensory and autonomic, type 1C. Last evaluated: 2021-08-13. Review status: criteria provided, single submitter. Criteria: ACMG Guidelines, 2015. Collection method: clinical testing. Allele origin: germline. Affected: yes. Observed: 1 variant allele.
Comment: ACMG criteria applied: PS3, PM2_SUP, PP3

OMIM
Classification: Pathogenic for NEUROPATHY, HEREDITARY SENSORY, TYPE IC. Last evaluated: 2010-10-08. Review status: no assertion criteria provided. Collection method: literature only. Allele origin: germline. Not counted in ClinVar's aggregate classification.

Literature cited by the submitters: PubMed 20920666 (cited by Labcorp Genetics (formerly Invitae), Labcorp and OMIM); PubMed 24175284 (cited by Labcorp Genetics (formerly Invitae), Labcorp); PubMed 26681808 (cited by Labcorp Genetics (formerly Invitae), Labcorp and OMIM).